The following is an entry in ClinVar:

ClinVar aggregate classification (germline): Benign/Likely benign. Review status: criteria provided, multiple submitters, no conflicts (2 of 4 stars). 13 submissions from 12 submitters: Benign (9); Likely benign (1). 3 of the submissions do not count toward it. Last evaluated 2026-02-03.

Conditions:
Inborn genetic diseases. Identifiers: MedGen C0950123, MeSH D030342.
Early-infantile DEE. Also called: Ohtahara syndrome; Early infantile epileptic encephalopathy; Early infantile epileptic encephalopathy with suppression bursts. Identifiers: Orphanet 1934, MedGen C0393706, MONDO:0800491.
Generalized epilepsy with febrile seizures plus, type 2 (GEFSP2). Also called: GEFS+, TYPE 2. Identifiers: Orphanet 36387, MedGen C1858673, MONDO:0011461, OMIM 604403.
Migraine, familial hemiplegic, 3. Identifiers: Orphanet 569, MedGen C1864987, MONDO:0012320, OMIM 609634.

Allele frequency attached by ClinVar (database versions not stated): gnomAD exomes 0.00261 and 0.00726; ExAC 0.00908; gnomAD 0.02836 and 0.03029; ESP Exome Variant Server 0.03100; TOPMed 0.03183; 1000 Genomes Project 0.03315; 1000 Genomes Project 30x 0.03513.
gnomAD v4.1: 8,235 of 1,611,202 alleles (0.51%); highest among the groups gnomAD compares: African/African-American, 9.9%; 421 homozygotes.

Submissions (13):

Labcorp Genetics (formerly Invitae), Labcorp
Classification: Benign for Early-infantile DEE. Last evaluated: 2026-02-03. Review status: criteria provided, single submitter. Criteria: Invitae Variant Classification Sherloc (09022015). Collection method: clinical testing. Allele origin: germline.

Athena Diagnostics
Classification: Benign. Last evaluated: 2025-06-09. Review status: criteria provided, single submitter. Criteria: Athena Diagnostics Criteria. Collection method: clinical testing. Allele origin: unknown.
Comment: The frequency of this variant in the general population is higher than would generally be expected for pathogenic variants in this gene.

Mayo Clinic Laboratories, Mayo Clinic
Classification: Benign. Last evaluated: 2019-03-19. Review status: criteria provided, single submitter. Criteria: ACMG Guidelines, 2015. Collection method: clinical testing. Allele origin: germline. Observed: 10 variant alleles.

Illumina Laboratory Services, Illumina
Classification: Benign for Migraine, familial hemiplegic, 3. Last evaluated: 2018-01-12. Review status: criteria provided, single submitter. Criteria: ICSL Variant Classification Criteria 13 December 2019. Collection method: clinical testing. Allele origin: germline.
Comment: This variant was observed in the ICSL laboratory as part of a predisposition screen in an ostensibly healthy population. It had not been previously curated by ICSL or reported in the Human Gene Mutation Database (HGMD: prior to June 1st, 2018), and was therefore a candidate for classification through an automated scoring system. Utilizing variant allele frequency, disease prevalence and penetrance estimates, and inheritance mode, an automated score was calculated to assess if this variant is too frequent to cause the disease. Based on the score and internal cut-off values, a variant classified as benign is not then subjected to further curation. The score for this variant resulted in a classification of benign for this disease.

Illumina Laboratory Services, Illumina
Classification: Benign for Generalized epilepsy with febrile seizures plus, type 2. Last evaluated: 2018-01-12. Review status: criteria provided, single submitter. Criteria: ICSL Variant Classification Criteria 13 December 2019. Collection method: clinical testing. Allele origin: germline.
Comment: the same text as in the submission from Illumina Laboratory Services, Illumina above.

Ambry Genetics
Classification: Benign for Inborn genetic diseases. Last evaluated: 2016-03-24. Review status: criteria provided, single submitter. Criteria: Ambry Variant Classification Scheme 2023. Collection method: clinical testing. Allele origin: germline.

Eurofins Ntd Llc (ga)
Classification: Benign. Last evaluated: 2016-02-12. Review status: criteria provided, single submitter. Criteria: EGL Classification Definitions 2015. Collection method: clinical testing. Allele origin: germline. Observed: 8 variant alleles, 8 heterozygotes.

GeneDx
Classification: Benign. Last evaluated: 2015-03-03. Review status: criteria provided, single submitter. Criteria: GeneDx Variant Classification Process June 2021. Collection method: clinical testing. Allele origin: germline. Affected: yes.

Breakthrough Genomics
Classification: Likely benign. Review status: criteria provided, single submitter. Criteria: ACMG Guidelines, 2015. Collection method: not provided. Allele origin: germline. Inheritance: Autosomal dominant inheritance. Affected: yes.

PreventionGenetics, part of Exact Sciences
Classification: Benign. Review status: criteria provided, single submitter. Criteria: ACMG Guidelines, 2015. Collection method: clinical testing. Allele origin: germline.

Genetic Services Laboratory, University of Chicago
Classification: Likely benign for AllHighlyPenetrant. Review status: no assertion criteria provided. Collection method: clinical testing. Allele origin: germline. Inheritance: Autosomal dominant inheritance. Not counted in ClinVar's aggregate classification.
Comment: Likely benign based on allele frequency in 1000 Genomes Project or ESP global frequency and its presence in a patient with a rare or unrelated disease phenotype. NOT Sanger confirmed.

Genome Diagnostics Laboratory, University Medical Center Utrecht
Classification: Benign. Review status: no assertion criteria provided. Collection method: clinical testing. Allele origin: germline. Affected: yes. Study: VKGL Data-share Consensus. Not counted in ClinVar's aggregate classification.

Joint Genome Diagnostic Labs from Nijmegen and Maastricht, Radboudumc and MUMC+
Classification: Benign. Review status: no assertion criteria provided. Collection method: clinical testing. Allele origin: germline. Affected: yes. Study: VKGL Data-share Consensus. Not counted in ClinVar's aggregate classification.

Literature cited by the submitters: PubMed 18930999 (cited by Athena Diagnostics).

NM_001165963.4(SCN1A):c.345T>C (p.Asn115=)

Gene: SCN1A (sodium voltage-gated channel alpha subunit 1; minus strand). Cytogenetic location: 2q24.3.
Variant type: single nucleotide variant.
Coding change: c.345T>C on transcript NM_001165963.4 (MANE Select); coding-DNA position 345, T replaced by C.
Protein change: p.Asn115=; no amino-acid change (asparagine 115 retained).
Molecular consequence: synonymous variant. On other transcripts: 5 prime UTR variant (1), non-coding transcript variant (1).
Genome position (GRCh38, 1-based): chr2:166,058,608, A>G on the plus strand (T>C on the coding strand, the complement: SCN1A is on the minus strand). VCF-style: chr2-166058608-A-G. GRCh37 (hg19) VCF-style: chr2-166915118-A-G.
Other names: p.Asn115=; c.345T>C, p.Asn115= (NM_001165964.3, NM_001202435.3, NM_001353948.2 and 10 more transcripts); c.-2081T>C (NM_001353961.2); c.345T>C (NM_001165963.3).
Identifiers: ClinVar variation 93643 (VCV000093643.37), dbSNP rs61741123, ClinGen allele CA147184.